The following is an entry in ClinVar:

ClinVar aggregate classification (germline): Uncertain significance (1 of 4 stars; one submission).

Conditions:
Dilated cardiomyopathy 1W (CMD1W). Identifiers: Orphanet 154, MedGen C1969639, MONDO:0012667, OMIM 611407.

Submission:

Labcorp Genetics (formerly Invitae), Labcorp
Classification: Uncertain significance for Dilated cardiomyopathy 1W. Last evaluated: 2025-07-13. Review status: criteria provided, single submitter. Criteria: Invitae Variant Classification Sherloc (09022015). Collection method: clinical testing. Allele origin: germline.
Comment: This sequence change replaces methionine, which is neutral and non-polar, with valine, which is neutral and non-polar, at codon 587 of the VCL protein (p.Met587Val). This variant is not present in population databases (gnomAD no frequency). This variant has not been reported in the literature in individuals affected with VCL-related conditions. ClinVar contains an entry for this variant (Variation ID: 948074). An algorithm developed to predict the effect of missense changes on protein structure and function (PolyPhen-2) suggests that this variant is likely to be disruptive. In summary, the available evidence is currently insufficient to determine the role of this variant in disease. Therefore, it has been classified as a Variant of Uncertain Significance.

NM_014000.3(VCL):c.1759A>G (p.Met587Val)

Gene: VCL (vinculin; plus strand). Cytogenetic location: 10q22.2.
Variant type: single nucleotide variant.
Coding change: c.1759A>G on transcript NM_014000.3 (MANE Select); coding-DNA position 1759, A replaced by G.
Protein change: p.Met587Val; replaces methionine 587 with valine.
Molecular consequence: missense variant.
Genome position (GRCh38, 1-based): chr10:74,097,219, A>G. VCF-style: chr10-74097219-A-G. GRCh37 (hg19) VCF-style: chr10-75856977-A-G.
Other names: c.1759A>G, p.Met587Val (NM_003373.4); short protein forms M587V.
Identifiers: ClinVar variation 948074 (VCV000948074.9), dbSNP rs1839982640, ClinGen allele CA377276457.